The following is an entry in ClinVar:

NM_004329.3(BMPR1A):c.1196A>G (p.Asn399Ser)

Gene: BMPR1A (bone morphogenetic protein receptor type 1A; plus strand). Cytogenetic location: 10q23.2.
Variant type: single nucleotide variant.
Coding change: c.1196A>G on transcript NM_004329.3 (MANE Select); coding-DNA position 1196, A replaced by G.
Protein change: p.Asn399Ser; replaces asparagine 399 with serine.
Molecular consequence: missense variant.
Genome position (GRCh38, 1-based): chr10:86,921,549, A>G. VCF-style: chr10-86921549-A-G. GRCh37 (hg19) VCF-style: chr10-88681306-A-G.
Other names: short protein forms N399S.
Identifiers: ClinVar variation 460477 (VCV000460477.13), dbSNP rs1554891315, ClinGen allele CA377461914.

ClinVar aggregate classification (germline): Conflicting classifications of pathogenicity. Review status: criteria provided, conflicting classifications (1 of 4 stars). 2 submissions from 2 submitters: Uncertain significance (1); Likely benign (1). Last evaluated 2026-02-03.

Conditions:
Juvenile polyposis syndrome (JPS). Identifiers: Orphanet 2929, MedGen C0345893, MONDO:0017380, OMIM 174900.
Hereditary cancer-predisposing syndrome. Also called: Hereditary neoplastic syndrome; Neoplastic Syndromes, Hereditary; Tumor predisposition; Hereditary Cancer Syndrome. Identifiers: Orphanet 140162, MedGen C0027672, MeSH D009386, MONDO:0015356.

Allele frequency attached by ClinVar (database versions not stated): gnomAD exomes below 0.00001.
gnomAD v4.1: 4 of 1,614,078 alleles (0.00025%); highest among the groups gnomAD compares: Non-Finnish European, 0.00025%; no homozygotes.

Submissions (2):

Labcorp Genetics (formerly Invitae), Labcorp
Classification: Uncertain significance for Juvenile polyposis syndrome. Last evaluated: 2026-02-03. Review status: criteria provided, single submitter. Criteria: Invitae Variant Classification Sherloc (09022015). Collection method: clinical testing. Allele origin: germline.
Comment: This sequence change replaces asparagine, which is neutral and polar, with serine, which is neutral and polar, at codon 399 of the BMPR1A protein (p.Asn399Ser). This variant is not present in population databases (gnomAD no frequency). This variant has not been reported in the literature in individuals affected with BMPR1A-related conditions. ClinVar contains an entry for this variant (Variation ID: 460477). Invitae Evidence Modeling of protein sequence and biophysical properties (such as structural, functional, and spatial information, amino acid conservation, physicochemical variation, residue mobility, and thermodynamic stability) has been performed for this missense variant. However, the output from this modeling did not meet the statistical confidence thresholds required to predict the impact of this variant on BMPR1A protein function. In summary, the available evidence is currently insufficient to determine the role of this variant in disease. Therefore, it has been classified as a Variant of Uncertain Significance.

Ambry Genetics
Classification: Likely benign for Hereditary cancer-predisposing syndrome. Last evaluated: 2023-12-28. Review status: criteria provided, single submitter. Criteria: Ambry Variant Classification Scheme 2023. Collection method: clinical testing. Allele origin: germline.